The following is an entry in ClinVar:

ClinVar aggregate classification (germline): Pathogenic. Review status: criteria provided, multiple submitters, no conflicts (2 of 4 stars). 65 submissions from 52 submitters: Pathogenic (49). 16 of the submissions do not count toward it. Last evaluated 2026-09-01.

Conditions:
Autosomal recessive USH2A-related disorders.
Monogenic hearing loss.
Retinal disorder. Also called: Retinal disorders; Retinopathy; Retinopathies; Retinal Diseases. Identifiers: MedGen C0035309, MONDO:0005283, HP:0000488.
Rare genetic deafness. Identifiers: Orphanet 96210, MedGen C5680250.
Usher syndrome. Also called: Usher's syndrome; Usher Syndromes. Identifiers: Orphanet 886, MedGen CN469326, MeSH D052245, MONDO:0019501. Disease mechanism: loss of function.
Usher syndrome type 2. Also called: Usher Syndrome Type II. Identifiers: Orphanet 231178, MedGen C0339534, MONDO:0016484.
USH2A-related disorder. Also called: USH2A-related disorders; USH2A-related condition. Identifiers: MedGen CN239332.
Macular dystrophy. Identifiers: MedGen C0730292, HP:0007754.
Inborn genetic diseases. Identifiers: MedGen C0950123, MeSH D030342.
Congenital stationary night blindness. Also called: Early-onset non-progressive night blindness. Identifiers: Orphanet 215, MedGen C0339535, MONDO:0016293, HP:0007642.
Retinal dystrophy. Also called: Inherited retinal dystrophy. Identifiers: Orphanet 71862, MedGen C0854723, MeSH D058499, MONDO:0019118, HP:0000556.
Retinitis pigmentosa 39 (RP39). Identifiers: Orphanet 791, MedGen C3151138, MONDO:0013436, OMIM 613809.
Usher syndrome type 2A. Also called: RETINAL DISEASE IN USHER SYNDROME TYPE IIA, MODIFIER OF; USHER SYNDROME, TYPE IIA. Identifiers: Orphanet 231178, Orphanet 886, MedGen C1848634, MONDO:0010169, OMIM 276901.
Retinitis pigmentosa (RP). Identifiers: Orphanet 791, MedGen C0035334, MeSH D012174, MONDO:0019200, OMIM 268000. Inheritance: Autosomal dominant, autosomal recessive and X linked inheritance.
Cone-rod dystrophy. Also called: Cone-rod degeneration; Cone/cone-rod dystrophy. Identifiers: Orphanet 1872, MedGen C4085590, MONDO:0015993, HP:0000548.

Allele frequency attached by ClinVar (database versions not stated): gnomAD 0.00050 and 0.00055; ESP Exome Variant Server 0.00096; gnomAD exomes 0.00076 and 0.00101; ExAC 0.00079; TOPMed 0.00071.

Submissions 1 to 11 of 65:

PreventionGenetics, part of Exact Sciences
Classification: Pathogenic for USH2A-related condition. Last evaluated: 2026-09-01. Review status: criteria provided, single submitter. Criteria: ACMG Guidelines, 2015. Collection method: clinical testing. Allele origin: germline.
Comment: The USH2A c.2299delG variant is predicted to result in a frameshift and premature protein termination (p.Glu767Serfs*21). This variant has been documented as causative for Usher syndrome (Aller et al. 2010. PubMed ID: 20145675; Aparisi et al. 2014. PubMed ID: 25404053). This variant is reported in 0.18% of alleles in individuals of Latino descent in gnomAD. Frameshift variants in USH2A are expected to be pathogenic. This variant is interpreted as pathogenic.

Wales Gene Park, Division Of Cancer and Genetics, Cardiff University
Classification: Pathogenic for Usher syndrome type 2A. Last evaluated: 2026-04-28. Review status: criteria provided, single submitter. Criteria: ACGS Best Practice Guidelines for Variant Classification in Rare Disease 2024. Collection method: research. Allele origin: inherited. Inheritance: Autosomal recessive inheritance. Affected: yes. Study: 100,000 Genomes Project (Wales).
Comment: Inherited USH2A frameshift variant detected by trio genome sequencing. Low frequency in gnomAD (v4.1.1). Evidence codes: PVS1, PM2, PM3_strong.

CeGaT Center for Human Genetics Tuebingen
Classification: Pathogenic. Last evaluated: 2026-04-01. Review status: criteria provided, single submitter. Criteria: CeGaT Center For Human Genetics Tuebingen Variant Classification Criteria Version 2. Collection method: clinical testing. Allele origin: germline. Affected: yes. Observed: 26 variant alleles.
Comment: USH2A: PM3:Very Strong, PVS1, PP1:Strong, PM2

Labcorp Genetics (formerly Invitae), Labcorp
Classification: Pathogenic. Last evaluated: 2026-02-01. Review status: criteria provided, single submitter. Criteria: Invitae Variant Classification Sherloc (09022015). Collection method: clinical testing. Allele origin: germline.
Comment: This sequence change creates a premature translational stop signal (p.Glu767Serfs*21) in the USH2A gene. It is expected to result in an absent or disrupted protein product. Loss-of-function variants in USH2A are known to be pathogenic (PMID: 10729113, 10909849, 20507924, 25649381). This variant is present in population databases (rs80338903, gnomAD 0.2%), and has an allele count higher than expected for a pathogenic variant. This premature translational stop signal has been observed in individuals with non-syndromic autosomal recessive retinitis pigmentosa and is a common Usher syndrome type II allele (PMID: 9624053, 11402400, 14970843, 15325563, 25097241, 25404053). This variant is also known as 2314delG. ClinVar contains an entry for this variant (Variation ID: 2351). Algorithms developed to predict the effect of sequence changes on RNA splicing suggest that this variant may disrupt the consensus splice site. For these reasons, this variant has been classified as Pathogenic.

Genetics Laboratory, Great Ormond Street Hospital NHS Foundation Trust, North Thames Genomic Laboratory Hub
Classification: Pathogenic for Retinal disorders. Last evaluated: 2025-12-12. Review status: criteria provided, single submitter. Criteria: ACGS Best Practice Guidelines for Variant Classification in Rare Disease 2024 v1.2. Collection method: clinical testing. Allele origin: germline. Affected: yes.
Comment: PVS1_very-strong, PS3_supporting, PM3_very-strong

Genetics Laboratory, Great Ormond Street Hospital NHS Foundation Trust, North Thames Genomic Laboratory Hub
Classification: Pathogenic for Monogenic hearing loss. Last evaluated: 2025-12-01. Review status: criteria provided, single submitter. Criteria: ACGS Best Practice Guidelines for Variant Classification in Rare Disease 2024 v1.2. Collection method: clinical testing. Allele origin: germline. Affected: yes.
Comment: the same text as in the submission from Genetics Laboratory, Great Ormond Street Hospital NHS Foundation Trust, North Thames Genomic Laboratory Hub above.

3billion
Classification: Pathogenic for Usher syndrome type 2A. Last evaluated: 2025-11-20. Review status: criteria provided, single submitter. Criteria: ACMG Guidelines, 2015. Collection method: clinical testing. Allele origin: germline. Affected: yes.
Comment: The variant is observed at an extremely low frequency in the gnomAD v4.1.0 dataset (total allele frequency: 0.095%). Predicted Consequence/Location: Frameshift: predicted to result in a loss or disruption of normal protein function through nonsense-mediated decay (NMD) or protein truncation. Multiple pathogenic variants are reported downstream of the variant. The variant has been reported at least twice as pathogenic with clinical assertions and evidence for the classification (ClinVar ID: VCV000002351 /PMID: 9624053 /3billion dataset). Therefore, this variant is classified as Pathogenic according to the recommendation of ACMG/AMP guideline.

Natera, Inc.
Classification: Pathogenic for Usher syndrome type 2A. Last evaluated: 2025-09-23. Review status: criteria provided, single submitter. Criteria: Natera Variant Classification Schema (03/2026). Collection method: clinical testing. Allele origin: germline.
Comment: The c.2299delG variant in USH2A is a frameshift variant predicted to shift the reading frame beginning at codon 767 and leads to a stop codon 21 codons downstream. This variant is expected to result in nonsense mediated decay, truncation, or a dysfunctional protein product. This variant is rare in the general population with a frequency below the threshold expected for the associated phenotype(s). This variant has been observed in one or more individuals affected with the associated recessive disease, as either homozygous or compound heterozygous with a second variant (PMID: 25575603). Given the available evidence, this variant is classified as Pathogenic.

Institute of Human Genetics, University of Leipzig Medical Center
Classification: Pathogenic for Retinitis pigmentosa 39. Last evaluated: 2025-08-06. Review status: criteria provided, single submitter. Criteria: ACMG Guidelines, 2015. Collection method: clinical testing. Allele origin: unknown. Inheritance: Autosomal recessive inheritance. Affected: yes.
Comment: Criteria applied: PVS1,PM3_VSTR,PP1_MOD; Identified as compund heterozygous with NM_206933.4:c.12575G>A

Institute of Human Genetics, University of Leipzig Medical Center
Classification: Pathogenic for Usher syndrome type 2A. Last evaluated: 2025-07-16. Review status: criteria provided, single submitter. Criteria: ACMG Guidelines, 2015. Collection method: clinical testing. Allele origin: unknown. Inheritance: Autosomal recessive inheritance. Affected: yes.
Comment: Criteria applied: PVS1,PM3_VSTR,PP1_MOD; Identified as compund heterozygous with NM_206933.4:c.6084T>A

Revvity Omics, Revvity
Classification: Pathogenic. Last evaluated: 2025-05-29. Review status: criteria provided, single submitter. Criteria: ACMG Guidelines, 2015. Collection method: clinical testing. Allele origin: germline.

NM_206933.4(USH2A):c.2299del (p.Glu767fs)

Gene: USH2A (usherin; minus strand). Cytogenetic location: 1q41.
Variant type: Deletion.
Coding change: c.2299del on transcript NM_206933.4 (MANE Select); coding-DNA position 2299, one base deleted (G; older notation c.2299delG).
Protein change: p.Glu767fs; shifts the reading frame from glutamic acid 767.
Molecular consequence: frameshift variant.
Genome position (GRCh38, 1-based): chr1:216,247,095, C deleted on the plus strand (G on the coding strand, the reverse complement: USH2A is on the minus strand). VCF-style (leftmost placement, unchanged base first): chr1-216247094-TC-T. GRCh37 (hg19) VCF-style: chr1-216420436-TC-T.
Other names: p.Glu767SerfsX21; NP_996816.3:p.(Glu767SerfsTer21); c.2299delG (NM_206933.3, NM_007123.5, NM_206933.4); c.2299del, p.Glu767fs (NM_007123.6); c.2299del (NM_206933.3); short protein forms E767fs.
Identifiers: ClinVar variation 2351 (VCV000002351.131), dbSNP rs80338903, ClinGen allele CA252226.